The following is an entry in ClinVar:

NM_005751.5(AKAP9):c.10891G>A (p.Asp3631Asn)

Gene: AKAP9 (A-kinase anchoring protein 9; plus strand). Cytogenetic location: 7q21.2.
Variant type: single nucleotide variant.
Coding change: c.10891G>A on transcript NM_005751.5 (MANE Select); coding-DNA position 10891, G replaced by A.
Protein change: p.Asp3631Asn; replaces aspartic acid 3631 with asparagine.
Molecular consequence: missense variant.
Genome position (GRCh38, 1-based): chr7:92,099,864, G>A. VCF-style: chr7-92099864-G-A. GRCh37 (hg19) VCF-style: chr7-91729178-G-A.
Other names: c.5536G>A, p.Asp1846Asn (NM_001379277.1); c.10867G>A, p.Asp3623Asn (NM_147185.3); short protein forms D1846N, D3631N, D3623N.
Identifiers: ClinVar variation 4826447 (VCV004826447.1).

ClinVar aggregate classification (germline): Uncertain significance (1 of 4 stars; one submission).

Conditions:
Cardiovascular phenotype. Identifiers: MedGen CN230736.

gnomAD v4.1: 3 of 1,613,776 alleles (0.00019%); highest among the groups gnomAD compares: South Asian, 0.0011%; no homozygotes.

Submission:

Ambry Genetics
Classification: Uncertain significance for Cardiovascular phenotype. Last evaluated: 2026-03-12. Review status: criteria provided, single submitter. Criteria: Ambry Variant Classification Scheme 2023. Collection method: clinical testing. Allele origin: germline.
Comment: The p.D3631N variant (also known as c.10891G>A), located in coding exon 44 of the AKAP9 gene, results from a G to A substitution at nucleotide position 10891. The aspartic acid at codon 3631 is replaced by asparagine, an amino acid with highly similar properties. This amino acid position is conserved. In addition, this alteration is predicted to be tolerated by in silico analysis. Based on the available evidence, the clinical significance of this variant remains unclear.